The following is an entry in ClinVar:

NM_001256545.2(MEGF10):c.780+224C>T

Gene: MEGF10 (multiple EGF like domains 10; plus strand). Cytogenetic location: 5q23.2.
Variant type: single nucleotide variant.
Coding change: c.780+224C>T on transcript NM_001256545.2 (MANE Select); 224 bases into the intron after coding-DNA position 780, C replaced by T.
Molecular consequence: intron variant.
Genome position (GRCh38, 1-based): chr5:127,399,020, C>T. VCF-style: chr5-127399020-C-T. GRCh37 (hg19) VCF-style: chr5-126734712-C-T.
Other names: c.780+224C>T (NM_032446.3, NM_001308119.2, NM_001308121.2).
Identifiers: ClinVar variation 672934 (VCV000672934.1), dbSNP rs75840083, ClinGen allele CA126932142.

ClinVar aggregate classification (germline): Likely benign (1 of 4 stars; one submission).

Allele frequency attached by ClinVar (database versions not stated): gnomAD 0.01815 and 0.01835; TOPMed 0.01927; 1000 Genomes Project 30x 0.02342; 1000 Genomes Project 0.02436.
gnomAD v4.1: 2,784 of 152,220 alleles (1.8%); highest among the groups gnomAD compares: East Asian, 4.8%; 28 homozygotes.

Submission:

GeneDx
Classification: Likely benign. Last evaluated: 2018-06-16. Review status: criteria provided, single submitter. Criteria: GeneDx Variant Classification (06012015). Collection method: clinical testing. Allele origin: germline. Affected: yes.
Comment: This variant is considered likely benign or benign based on one or more of the following criteria: it is a conservative change, it occurs at a poorly conserved position in the protein, it is predicted to be benign by multiple in silico algorithms, and/or has population frequency not consistent with disease.